The following is an entry in ClinVar:

NM_005334.3(HCFC1):c.5698A>G (p.Ser1900Gly)

Gene: HCFC1 (host cell factor C1; minus strand). Cytogenetic location: Xq28.
Variant type: single nucleotide variant.
Coding change: c.5698A>G on transcript NM_005334.3 (MANE Select); coding-DNA position 5698, A replaced by G.
Protein change: p.Ser1900Gly; replaces serine 1900 with glycine.
Molecular consequence: missense variant.
Genome position (GRCh38, 1-based): chrX:153,950,818, T>C on the plus strand (A>G on the coding strand, the complement: HCFC1 is on the minus strand). VCF-style: chrX-153950818-T-C. GRCh37 (hg19) VCF-style: chrX-153216269-T-C.
Other names: short protein forms S1900G.
Identifiers: ClinVar variation 1028365 (VCV001028365.1), dbSNP rs2065303644, ClinGen allele CA415103411.

ClinVar aggregate classification (germline): Uncertain significance (1 of 4 stars; one submission).

Conditions:
Methylmalonic acidemia with homocystinuria, type cblX (MAHCX). Also called: INTELLECTUAL DEVELOPMENTAL DISORDER, X-LINKED 3. Identifiers: Orphanet 369962, MedGen C0796208, MONDO:0010657, OMIM 309541.

Submission:

Baylor Genetics
Classification: Uncertain significance for Methylmalonic acidemia with homocystinuria, type cblX. Last evaluated: 2019-12-18. Review status: criteria provided, single submitter. Criteria: ACMG Guidelines, 2015. Collection method: clinical testing. Allele origin: unknown. Affected: yes.
Comment: This variant was determined to be of uncertain significance according to ACMG Guidelines, 2015 [PMID:25741868].